The following is an entry in ClinVar:

NC_000019.9:g.(?_1220366)_(1220510_?)del

Gene: STK11 (serine/threonine kinase 11; plus strand). Cytogenetic location: 19p13.3.
Variant type: Deletion.
Identifiers: ClinVar variation 1073839 (VCV001073839.8).

ClinVar aggregate classification (germline): Pathogenic (1 of 4 stars; one submission).

Conditions:
Peutz-Jeghers syndrome (PJS). Also called: POLYPOSIS, HAMARTOMATOUS INTESTINAL; POLYPS-AND-SPOTS SYNDROME; Peutz-Jeghers polyposis; Periorificial lentiginosis syndrome. Identifiers: Orphanet 2869, MedGen C0031269, MeSH D010580, MONDO:0008280, OMIM 175200.

Submission:

Labcorp Genetics (formerly Invitae), Labcorp
Classification: Pathogenic for Peutz-Jeghers syndrome. Last evaluated: 2015-12-08. Review status: criteria provided, single submitter. Criteria: Invitae Variant Classification Sherloc (09022015). Collection method: clinical testing. Allele origin: germline.
Comment: For these reasons, this variant has been classified as Pathogenic. While this particular copy number variant has not been reported in the literature, gross deletions in STK11 are known to be pathogenic and similar deletions have been reported (PMID: 14970844, 20623358). A gross deletion of the genomic region encompassing the full coding sequence (exons 1-9) of the STK11 gene has been identified. ¬†Exon 10 is non-coding and is not covered by our assay. The boundaries of this event are unknown as the deletion extends beyond the assayed region for this gene and therefore may encompass additional genes.

Literature cited by the submitters: PubMed 14970844; PubMed 20623358.